The following is an entry in ClinVar:

NM_001348768.2(HECW2):c.1261G>C (p.Asp421His)

Gene: HECW2 (HECT, C2 and WW domain containing E3 ubiquitin protein ligase 2; minus strand). Cytogenetic location: 2q32.3.
Variant type: single nucleotide variant.
Coding change: c.1261G>C on transcript NM_001348768.2 (MANE Select); coding-DNA position 1261, G replaced by C.
Protein change: p.Asp421His; replaces aspartic acid 421 with histidine.
Molecular consequence: missense variant.
Genome position (GRCh38, 1-based): chr2:196,319,629, C>G on the plus strand (G>C on the coding strand, the complement: HECW2 is on the minus strand). VCF-style: chr2-196319629-C-G. GRCh37 (hg19) VCF-style: chr2-197184353-C-G.
Other names: c.193G>C, p.Asp65His (NM_001304840.3); c.1261G>C, p.Asp421His (NM_020760.4); short protein forms D421H, D65H.
Identifiers: ClinVar variation 4688811 (VCV004688811.1).

ClinVar aggregate classification (germline): Uncertain significance (1 of 4 stars; one submission).

Submission:

Women's Health and Genetics/Laboratory Corporation of America, LabCorp
Classification: Uncertain significance. Last evaluated: 2025-12-26. Review status: criteria provided, single submitter. Criteria: LabCorp Variant Classification Summary - May 2015. Collection method: clinical testing. Allele origin: germline.
Comment: Variant summary: HECW2 c.1261G>C (p.Asp421His) results in a non-conservative amino acid change in the encoded protein sequence. Algorithms developed to predict the effect of missense changes on protein structure and function are either unavailable or do not agree on the potential impact of this missense change. The variant was absent in 251394 control chromosomes. The available data on variant occurrences in the general population are insufficient to allow any conclusion about variant significance. To our knowledge, no occurrence of c.1261G>C in individuals affected with HECW2-related conditions and no experimental evidence demonstrating its impact on protein function have been reported. No submitters have cited clinical-significance assessments for this variant to ClinVar. Based on the evidence outlined above, the variant was classified as uncertain significance.